The following is an entry in ClinVar:

ClinVar aggregate classification (germline): Pathogenic (1 of 4 stars; one submission).

Conditions:
Neurofibromatosis, type 1 (NF1). Also called: VON RECKLINGHAUSEN DISEASE; Peripheral type neurofibromatosis; Neurofibromatosis, type I; NEUROFIBROMATOSIS, TYPE I, SOMATIC. Identifiers: Orphanet 636, MedGen C0027831, MONDO:0018975, OMIM 162200. Disease mechanism: loss of function.

Submission:

Department of Medical Genetics, International Peace Maternity and Child Health Hospital, Shanghai Jiao Tong University School of Medicine
Classification: Pathogenic for Neurofibromatosis, type 1. Last evaluated: 2025-03-22. Review status: criteria provided, single submitter. Criteria: ACMG Guidelines, 2015. Collection method: clinical testing. Allele origin: de novo. Affected: yes.
Comment: Loss-of-function variants in NF1 are known to be pathogenic (PMID: 10712197, 23913538), so this variant has been classified as Pathogenic.

Literature cited by the submitters: PubMed 10712197; PubMed 23913538.

NM_001042492.3(NF1):c.549_552del (p.Ile183fs)

Gene: NF1 (neurofibromin 1; plus strand). Cytogenetic location: 17q11.2.
Variant type: Deletion.
Coding change: c.549_552del on transcript NM_001042492.3 (MANE Select); coding-DNA positions 549 to 552, 4 bases deleted (CAAT; older notation c.549_552delCAAT).
Protein change: p.Ile183fs; shifts the reading frame from isoleucine 183.
Molecular consequence: frameshift variant.
Genome position (GRCh38, 1-based): chr17:31,169,960-31,169,963, CAAT deleted; deleting any 4 consecutive bases within chr17:31,169,958-31,169,963 gives the same sequence; the c. name uses the placement nearest the transcript's 3' end. VCF-style (leftmost placement, unchanged base first): chr17-31169957-TATCA-T. GRCh37 (hg19) VCF-style: chr17-29496975-TATCA-T.
Other names: c.549_552delCAAT, p.Ile183Metfs (NM_000267.4); c.549_552del, p.Ile183fs (NM_001128147.3); short protein forms I183fs.
Identifiers: ClinVar variation 3891312 (VCV003891312.1).